The following is an entry in ClinVar:

NM_001042492.3(NF1):c.6523_6524del (p.Val2175fs)

Gene: NF1 (neurofibromin 1; plus strand). Cytogenetic location: 17q11.2.
Variant type: Deletion.
Coding change: c.6523_6524del on transcript NM_001042492.3 (MANE Select); coding-DNA positions 6523 to 6524, 2 bases deleted (GT; older notation c.6523_6524delGT).
Protein change: p.Val2175fs; shifts the reading frame from valine 2175.
Molecular consequence: frameshift variant.
Genome position (GRCh38, 1-based): chr17:31,337,463-31,337,464, GT deleted; deleting any 2 consecutive bases within chr17:31,337,462-31,337,464 gives the same sequence; the c. name uses the placement nearest the transcript's 3' end. VCF-style (leftmost placement, unchanged base first): chr17-31337461-CTG-C. GRCh37 (hg19) VCF-style: chr17-29664479-CTG-C.
Other names: c.6460_6461delGT (NM_000267.3); c.6460_6461delGT, p.Val2154Hisfs (NM_000267.4); short protein forms V2154fs, V2175fs.
Identifiers: ClinVar variation 3237881 (VCV003237881.1), dbSNP rs2508753527.

ClinVar aggregate classification (germline): Pathogenic (1 of 4 stars; one submission).

Conditions:
Hereditary cancer-predisposing syndrome. Also called: Neoplastic Syndromes, Hereditary; Tumor predisposition; Hereditary neoplastic syndrome; Hereditary Cancer Syndrome. Identifiers: Orphanet 140162, MedGen C0027672, MeSH D009386, MONDO:0015356.
Cardiovascular phenotype. Identifiers: MedGen CN230736.

Submission:

Ambry Genetics
Classification: Pathogenic for Cardiovascular phenotype; Hereditary cancer-predisposing syndrome. Last evaluated: 2023-06-12. Review status: criteria provided, single submitter. Criteria: Ambry Variant Classification Scheme 2023. Collection method: clinical testing. Allele origin: germline.
Comment: The c.6460_6461delGT pathogenic mutation, located in coding exon 42 of the NF1 gene, results from a deletion of two nucleotides at nucleotide positions 6460 to 6461, causing a translational frameshift with a predicted alternate stop codon (p.V2154Hfs*18). This alteration has been observed in at least one individual with a personal and/or family history that is consistent with NF1-related disease (Ambry internal data). This variant is considered to be rare based on population cohorts in the Genome Aggregation Database (gnomAD). This alteration is expected to result in loss of function by premature protein truncation or nonsense-mediated mRNA decay. As such, this alteration is interpreted as a disease-causing mutation.